The following is an entry in ClinVar:

ClinVar aggregate classification (germline): Uncertain significance (1 of 4 stars; one submission).

Conditions:
Hereditary cancer-predisposing syndrome. Also called: Hereditary Cancer Syndrome; Tumor predisposition; Hereditary neoplastic syndrome; Neoplastic Syndromes, Hereditary. Identifiers: Orphanet 140162, MedGen C0027672, MeSH D009386, MONDO:0015356.
Cardiovascular phenotype. Identifiers: MedGen CN230736.

Submission:

Ambry Genetics
Classification: Uncertain significance for Cardiovascular phenotype; Hereditary cancer-predisposing syndrome. Last evaluated: 2024-09-03. Review status: criteria provided, single submitter. Criteria: Ambry Variant Classification Scheme 2023. Collection method: clinical testing. Allele origin: germline.
Comment: The p.W2054L variant (also known as c.6161G>T), located in coding exon 41 of the NF1 gene, results from a G to T substitution at nucleotide position 6161. The tryptophan at codon 2054 is replaced by leucine, an amino acid with similar properties. This amino acid position is conserved. In addition, this alteration is predicted to be deleterious by in silico analysis. Based on the available evidence, the clinical significance of this variant remains unclear.

NM_001042492.3(NF1):c.6224G>T (p.Trp2075Leu)

Gene: NF1 (neurofibromin 1; plus strand). Cytogenetic location: 17q11.2.
Variant type: single nucleotide variant.
Coding change: c.6224G>T on transcript NM_001042492.3 (MANE Select); coding-DNA position 6224, G replaced by T.
Protein change: p.Trp2075Leu; replaces tryptophan 2075 with leucine.
Molecular consequence: missense variant.
Genome position (GRCh38, 1-based): chr17:31,336,711, G>T. VCF-style: chr17-31336711-G-T. GRCh37 (hg19) VCF-style: chr17-29663729-G-T.
Other names: c.6161G>T, p.Trp2054Leu (NM_000267.4); short protein forms W2054L, W2075L.
Identifiers: ClinVar variation 3404734 (VCV003404734.1).